The following is an entry in ClinVar:

ClinVar aggregate classification (germline): Uncertain significance (1 of 4 stars; one submission).

Allele frequency attached by ClinVar (database versions not stated): gnomAD exomes below 0.00001; gnomAD 0.00001; TOPMed 0.00001.
gnomAD v4.1: 3 of 1,613,958 alleles (0.00019%); highest among the groups gnomAD compares: African/African-American, 0.0027%; no homozygotes.

Submission:

Labcorp Genetics (formerly Invitae), Labcorp
Classification: Uncertain significance. Last evaluated: 2022-04-29. Review status: criteria provided, single submitter. Criteria: Invitae Variant Classification Sherloc (09022015). Collection method: clinical testing. Allele origin: germline.
Comment: Algorithms developed to predict the effect of missense changes on protein structure and function are either unavailable or do not agree on the potential impact of this missense change (SIFT: "Deleterious"; PolyPhen-2: "Probably Damaging"; Align-GVGD: "Class C0"). In summary, the available evidence is currently insufficient to determine the role of this variant in disease. Therefore, it has been classified as a Variant of Uncertain Significance. This variant is not present in population databases (gnomAD no frequency). This variant has not been reported in the literature in individuals affected with FAR1-related conditions. This sequence change replaces tyrosine, which is neutral and polar, with cysteine, which is neutral and slightly polar, at codon 41 of the FAR1 protein (p.Tyr41Cys).

NM_032228.6(FAR1):c.122A>G (p.Tyr41Cys)

Gene: FAR1 (fatty acyl-CoA reductase 1; plus strand). Cytogenetic location: 11p15.3.
Variant type: single nucleotide variant.
Coding change: c.122A>G on transcript NM_032228.6 (MANE Select); coding-DNA position 122, A replaced by G.
Protein change: p.Tyr41Cys; replaces tyrosine 41 with cysteine.
Molecular consequence: missense variant.
Genome position (GRCh38, 1-based): chr11:13,694,887, A>G. VCF-style: chr11-13694887-A-G. GRCh37 (hg19) VCF-style: chr11-13716434-A-G.
Other names: short protein forms Y41C.
Identifiers: ClinVar variation 2131956 (VCV002131956.4), dbSNP rs1192359074, ClinGen allele CA379856151.